The following is an entry in ClinVar:

NM_015450.3(POT1):c.346C>A (p.Pro116Thr)

Gene: POT1 (protection of telomeres 1; minus strand). Cytogenetic location: 7q31.33.
Variant type: single nucleotide variant.
Coding change: c.346C>A on transcript NM_015450.3 (MANE Select); coding-DNA position 346, C replaced by A.
Protein change: p.Pro116Thr; replaces proline 116 with threonine.
Molecular consequence: missense variant. On other transcripts: 5 prime UTR variant (1), non-coding transcript variant (3).
Genome position (GRCh38, 1-based): chr7:124,863,550, G>T on the plus strand (C>A on the coding strand, the complement: POT1 is on the minus strand). VCF-style: chr7-124863550-G-T. GRCh37 (hg19) VCF-style: chr7-124503604-G-T.
Other names: c.-48C>A (NM_001042594.2); short protein forms P116T.
Identifiers: ClinVar variation 2630925 (VCV002630925.1), dbSNP rs1795650286, ClinGen allele CA369059991.
Genomic context (GRCh38, chr7:124,863,550, plus strand): 5'-AGGCTTCTACCATTTTGTGGTCCTCAGTAGTGAAGTTAAAATACTTGCTTGAAGTGCGAG[G>T]TATGATAGGGGCTCCCAAAGTTCCCTCAAACGTCAAAGATGCAAAGCCAGAGCTGGTGAT-3'
Protein context (NP_056265.2, residues 106-126): FEGTLGAPII[Pro116Thr]RTSSKYFNFT

ClinVar aggregate classification (germline): Uncertain significance (1 of 4 stars; one submission).

Conditions:
POT1-related disorder. Also called: POT1-related condition.

Submission:

PreventionGenetics, part of Exact Sciences
Classification: Uncertain significance for POT1-related condition. Last evaluated: 2023-09-06. Review status: criteria provided, single submitter. Criteria: ACMG Guidelines, 2015. Collection method: clinical testing. Allele origin: germline.
Comment: The POT1 c.346C>A variant is predicted to result in the amino acid substitution p.Pro116Thr. To our knowledge, this variant has not been reported in the literature or in a large population database, indicating this variant is rare. Of note, an alternative substitution at the same codon defined as p.Pro116Leu has been reported in individuals with different types of cancer (cardiac angiosarcoma in Calvete et al. 2017. PubMed ID: 28853721; multiple melanoma and breast cancer in Stolarova et al. 2020. PubMed ID: 33050356). At this time, the clinical significance of the p.Pro116Thr variant found in this patient is uncertain due to the absence of conclusive functional and genetic evidence.